The following is an entry in ClinVar:

ClinVar aggregate classification (germline): Uncertain significance (1 of 4 stars; one submission).

Conditions:
Mendelian susceptibility to mycobacterial diseases due to complete IL12RB1 deficiency. Also called: Immunodeficiency 30; IL12RB1 DEFICIENCY. Identifiers: Orphanet 319552, MedGen C4013949, MONDO:0013955, OMIM 614891.

Allele frequency attached by ClinVar (database versions not stated): gnomAD 0.00003; TOPMed 0.00004; ExAC 0.00005; gnomAD exomes 0.00004 and 0.00006.

Submission:

Labcorp Genetics (formerly Invitae), Labcorp
Classification: Uncertain significance for Mendelian susceptibility to mycobacterial diseases due to complete IL12RB1 deficiency. Last evaluated: 2022-07-12. Review status: criteria provided, single submitter. Criteria: Invitae Variant Classification Sherloc (09022015). Collection method: clinical testing. Allele origin: germline.
Comment: This sequence change replaces valine, which is neutral and non-polar, with isoleucine, which is neutral and non-polar, at codon 530 of the IL12RB1 protein (p.Val530Ile). This variant is present in population databases (rs781478903, gnomAD 0.006%). This variant has not been reported in the literature in individuals affected with IL12RB1-related conditions. ClinVar contains an entry for this variant (Variation ID: 657044). Algorithms developed to predict the effect of missense changes on protein structure and function are either unavailable or do not agree on the potential impact of this missense change (SIFT: "Deleterious"; PolyPhen-2: "Benign"; Align-GVGD: "Class C0"). In summary, the available evidence is currently insufficient to determine the role of this variant in disease. Therefore, it has been classified as a Variant of Uncertain Significance.

NM_005535.3(IL12RB1):c.1588G>A (p.Val530Ile)

Gene: IL12RB1 (interleukin 12 receptor subunit beta 1; minus strand). Cytogenetic location: 19p13.11.
Variant type: single nucleotide variant.
Coding change: c.1588G>A on transcript NM_005535.3 (MANE Select); coding-DNA position 1588, G replaced by A.
Protein change: p.Val530Ile; replaces valine 530 with isoleucine.
Molecular consequence: missense variant.
Genome position (GRCh38, 1-based): chr19:18,063,906, C>T on the plus strand (G>A on the coding strand, the complement: IL12RB1 is on the minus strand). VCF-style: chr19-18063906-C-T. GRCh37 (hg19) VCF-style: chr19-18174716-C-T.
Other names: c.1588G>A, p.Val530Ile (NM_001290023.2); c.1708G>A, p.Val570Ile (NM_001290024.2); short protein forms V530I, V570I.
Identifiers: ClinVar variation 657044 (VCV000657044.4), dbSNP rs781478903, ClinGen allele CA9304788.
Genomic context (GRCh38, chr19:18,063,906, plus strand): 5'-AAATAACTGGGTCCTACCCCCTCCACTCACCGATGCTGAAGCGCTGGGGCTGGCTCCAGA[C>T]ACCCCTCAGCCACGCTGTGTCTGCTCGCACCTGCACCGTGTAGGCTACACCAGCCCGCAG-3'
Protein context (NP_005526.1, residues 520-540): VRADTAWLRG[Val530Ile]WSQPQRFSIE